The following is an entry in ClinVar:

ClinVar aggregate classification (germline): Uncertain significance. Review status: criteria provided, multiple submitters, no conflicts (2 of 4 stars). 3 submissions from 3 submitters: Uncertain significance (3). Last evaluated 2025-01-30.

Conditions:
Colorectal cancer, susceptibility to, 1. Also called: COLORECTAL ADENOMA AND CANCER, SUSCEPTIBILITY TO; COLORECTAL CANCER, SUSCEPTIBILITY TO, ON CHROMOSOME 9. Identifiers: MedGen C1837315, MONDO:0012132, OMIM 608812.

Allele frequency attached by ClinVar (database versions not stated): 1000 Genomes Project 30x 0.00016; 1000 Genomes Project 0.00020; gnomAD exomes 0.00002; ExAC 0.00003; gnomAD 0.00003; TOPMed 0.00003; ESP Exome Variant Server 0.00008.
gnomAD v4.1: 40 of 1,614,010 alleles (0.0025%); highest among the groups gnomAD compares: African/African-American, 0.011%; no homozygotes.

Submissions (3):

Ambry Genetics
Classification: Uncertain significance. Last evaluated: 2025-01-30. Review status: criteria provided, single submitter. Criteria: Ambry Variant Classification Scheme 2023. Collection method: clinical testing. Allele origin: germline.
Comment: The p.E489K variant (also known as c.1465G>A), located in coding exon 9 of the GALNT12 gene, results from a G to A substitution at nucleotide position 1465. The glutamic acid at codon 489 is replaced by lysine, an amino acid with similar properties. This amino acid position is highly conserved in available vertebrate species. In addition, the in silico prediction for this alteration is inconclusive. Since supporting evidence is limited at this time, the clinical significance of this alteration remains unclear.

Baylor Genetics
Classification: Uncertain significance for Colorectal cancer, susceptibility to, 1. Last evaluated: 2023-10-17. Review status: criteria provided, single submitter. Criteria: ACMG Guidelines, 2015. Collection method: clinical testing. Allele origin: unknown.

Labcorp Genetics (formerly Invitae), Labcorp
Classification: Uncertain significance. Last evaluated: 2023-06-19. Review status: criteria provided, single submitter. Criteria: Invitae Variant Classification Sherloc (09022015). Collection method: clinical testing. Allele origin: germline.
Comment: In summary, the available evidence is currently insufficient to determine the role of this variant in disease. Therefore, it has been classified as a Variant of Uncertain Significance. Advanced modeling of protein sequence and biophysical properties (such as structural, functional, and spatial information, amino acid conservation, physicochemical variation, residue mobility, and thermodynamic stability) performed at Invitae indicates that this missense variant is not expected to disrupt GALNT12 protein function. ClinVar contains an entry for this variant (Variation ID: 819189). This variant has not been reported in the literature in individuals affected with GALNT12-related conditions. This variant is present in population databases (rs137917376, gnomAD 0.01%). This sequence change replaces glutamic acid, which is acidic and polar, with lysine, which is basic and polar, at codon 489 of the GALNT12 protein (p.Glu489Lys).

NM_024642.5(GALNT12):c.1465G>A (p.Glu489Lys)

Gene: GALNT12 (polypeptide N-acetylgalactosaminyltransferase 12; plus strand). Cytogenetic location: 9q22.33.
Variant type: single nucleotide variant.
Coding change: c.1465G>A on transcript NM_024642.5 (MANE Select); coding-DNA position 1465, G replaced by A.
Protein change: p.Glu489Lys; replaces glutamic acid 489 with lysine.
Molecular consequence: missense variant.
Genome position (GRCh38, 1-based): chr9:98,845,983, G>A. VCF-style: chr9-98845983-G-A. GRCh37 (hg19) VCF-style: chr9-101608265-G-A.
Other names: short protein forms E489K.
Identifiers: ClinVar variation 819189 (VCV000819189.13), dbSNP rs137917376, ClinGen allele CA5154294.
Genomic context (GRCh38, chr9:98,845,983, plus strand): 5'-TCTTCCCACATCAGTGGAAAATGTTGTGTTACATGTTGGCTGCCCCATTTTTAGTTTTTC[G>A]AGTACACGTCCCAGAAAGAAATACGCTATAACACCCACCAGCCTGAGGGCTGCATTGCTG-3'
Protein context (NP_078918.3, residues 479-499): CHGMGQNQFF[Glu489Lys]YTSQKEIRYN